The following is an entry in ClinVar:

ClinVar aggregate classification (germline): Conflicting classifications of pathogenicity. Review status: criteria provided, conflicting classifications (1 of 4 stars). 6 submissions from 6 submitters: Uncertain significance (5); Likely benign (1). Last evaluated 2024-10-03.

Conditions:
Birt-Hogg-Dube syndrome 1 (BHD1). Also called: FIBROFOLLICULOMAS WITH TRICHODISCOMAS AND ACROCHORDONS. Identifiers: Orphanet 122, MedGen CN375946, MONDO:0800445, OMIM 135150.
Hereditary cancer-predisposing syndrome. Also called: Tumor predisposition; Hereditary neoplastic syndrome; Neoplastic Syndromes, Hereditary; Hereditary Cancer Syndrome. Identifiers: Orphanet 140162, MedGen C0027672, MeSH D009386, MONDO:0015356.
Birt-Hogg-Dube syndrome. Also called: Birt Hogg Dubé syndrome. Identifiers: Orphanet 122, MedGen C0346010, MONDO:0800444.

Allele frequency attached by ClinVar (database versions not stated): gnomAD exomes below 0.00001 and 0.00001; TOPMed 0.00002; gnomAD 0.00001.

Submissions (6):

Labcorp Genetics (formerly Invitae), Labcorp
Classification: Uncertain significance for Birt-Hogg-Dube syndrome. Last evaluated: 2024-10-03. Review status: criteria provided, single submitter. Criteria: Invitae Variant Classification Sherloc (09022015). Collection method: clinical testing. Allele origin: germline.
Comment: This sequence change replaces arginine, which is basic and polar, with tryptophan, which is neutral and slightly polar, at codon 86 of the FLCN protein (p.Arg86Trp). This variant is present in population databases (no rsID available, gnomAD 0.0009%). This variant has not been reported in the literature in individuals affected with FLCN-related conditions. ClinVar contains an entry for this variant (Variation ID: 460610). Invitae Evidence Modeling of protein sequence and biophysical properties (such as structural, functional, and spatial information, amino acid conservation, physicochemical variation, residue mobility, and thermodynamic stability) indicates that this missense variant is not expected to disrupt FLCN protein function with a negative predictive value of 80%. In summary, the available evidence is currently insufficient to determine the role of this variant in disease. Therefore, it has been classified as a Variant of Uncertain Significance.

Quest Diagnostics Nichols Institute San Juan Capistrano
Classification: Uncertain significance. Last evaluated: 2024-07-17. Review status: criteria provided, single submitter. Criteria: Quest Diagnostics criteria. Collection method: clinical testing. Allele origin: unknown.
Comment: The FLCN c.256C>T (p.Arg86Trp) variant has not been reported in individuals with FLCN-related conditions in the published literature. The frequency of this variant in the general population, 0.000004 (1/251326 chromosomes (Genome Aggregation Database)), is uninformative in the assessment of its pathogenicity. Analysis of this variant using bioinformatics tools for the prediction of the effect of amino acid changes on protein structure and function yielded conflicting predictions that this variant is benign or damaging. Based on the available information, we are unable to determine the clinical significance of this variant.

Genomic Medicine Center of Excellence, King Faisal Specialist Hospital and Research Centre
Classification: Uncertain significance for Birt-Hogg-Dube syndrome 1. Last evaluated: 2024-04-04. Review status: criteria provided, single submitter. Criteria: ACMG Guidelines, 2015. Collection method: clinical testing. Allele origin: germline.

GeneDx
Classification: Uncertain significance. Last evaluated: 2023-12-31. Review status: criteria provided, single submitter. Criteria: GeneDx Variant Classification Process June 2021. Collection method: clinical testing. Allele origin: germline.
Comment: Not observed at significant frequency in large population cohorts (gnomAD); In silico analysis supports that this missense variant has a deleterious effect on protein structure/function; Has not been previously published as pathogenic or benign to our knowledge

Baylor Genetics
Classification: Uncertain significance for Birt-Hogg-Dube syndrome 1. Last evaluated: 2023-05-26. Review status: criteria provided, single submitter. Criteria: ACMG Guidelines, 2015. Collection method: clinical testing. Allele origin: unknown.

Ambry Genetics
Classification: Likely benign for Hereditary cancer-predisposing syndrome. Last evaluated: 2022-06-24. Review status: criteria provided, single submitter. Criteria: Ambry Variant Classification Scheme 2023. Collection method: clinical testing. Allele origin: germline.

NM_144997.7(FLCN):c.256C>T (p.Arg86Trp)

Gene: FLCN (folliculin; minus strand). Cytogenetic location: 17p11.2.
Variant type: single nucleotide variant.
Coding change: c.256C>T on transcript NM_144997.7 (MANE Select); coding-DNA position 256, C replaced by T.
Protein change: p.Arg86Trp; replaces arginine 86 with tryptophan.
Molecular consequence: missense variant.
Genome position (GRCh38, 1-based): chr17:17,226,316, G>A on the plus strand (C>T on the coding strand, the complement: FLCN is on the minus strand). VCF-style: chr17-17226316-G-A. GRCh37 (hg19) VCF-style: chr17-17129630-G-A.
Other names: c.256C>T (LRG_325t1, NM_144997.6); c.256C>T, p.Arg86Trp (NM_001353229.2, NM_001353230.2, NM_001353231.2 and 1 more transcripts); short protein forms R86W.
Identifiers: ClinVar variation 460610 (VCV000460610.16), dbSNP rs1327627870, ClinGen allele CA398534984.